The following is an entry in ClinVar:

NM_173483.4(CYP4F22):c.1064C>T (p.Pro355Leu)

Gene: CYP4F22 (cytochrome P450 family 4 subfamily F member 22; plus strand). Cytogenetic location: 19p13.12.
Variant type: single nucleotide variant.
Coding change: c.1064C>T on transcript NM_173483.4 (MANE Select); coding-DNA position 1064, C replaced by T.
Protein change: p.Pro355Leu; replaces proline 355 with leucine.
Molecular consequence: missense variant.
Genome position (GRCh38, 1-based): chr19:15,544,207, C>T. VCF-style: chr19-15544207-C-T. GRCh37 (hg19) VCF-style: chr19-15655018-C-T.
Other names: short protein forms P355L.
Identifiers: ClinVar variation 425166 (VCV000425166.46), dbSNP rs760727576, ClinGen allele CA16621726.

ClinVar aggregate classification (germline): Uncertain significance. Review status: criteria provided, multiple submitters, no conflicts (2 of 4 stars). 4 submissions from 4 submitters: Uncertain significance (2). 2 of the submissions do not count toward it. Last evaluated 2024-06-13.

Conditions:
Autosomal recessive congenital ichthyosis 5 (ARCI5). Also called: ICHTHYOSIS CONGENITA III; Ichthyosis, nonlamellar and nonerythrodermic, congenital, autosomal recessive. Identifiers: Orphanet 313, MedGen C1858133, MONDO:0011485, OMIM 604777.

Allele frequency attached by ClinVar (database versions not stated): gnomAD exomes below 0.00001 and 0.00002; gnomAD 0.00001; TOPMed 0.00001.
gnomAD v4.1: 37 of 1,613,884 alleles (0.0023%); highest among the groups gnomAD compares: Admixed American, 0.0033%; no homozygotes.

Submissions (4):

Women's Health and Genetics/Laboratory Corporation of America, LabCorp
Classification: Uncertain significance. Last evaluated: 2024-06-13. Review status: criteria provided, single submitter. Criteria: LabCorp Variant Classification Summary - May 2015. Collection method: clinical testing. Allele origin: germline.
Comment: Variant summary: CYP4F22 c.1064C>T (p.Pro355Leu) results in a non-conservative amino acid change in the encoded protein sequence. Four of five in-silico tools predict a damaging effect of the variant on protein function. The variant allele was found at a frequency of 4e-06 in 251454 control chromosomes. The available data on variant occurrences in the general population are insufficient to allow any conclusion about variant significance. c.1064C>T has been reported in the literature as a compound heterozygous genotype in at-least one individual affected with autosomal recessive congenital ichthyosis (ARCI) (Hotz_2018). These data do not allow any conclusion about variant significance. To our knowledge, no experimental evidence demonstrating an impact on protein function has been reported. The following publication have been ascertained in the context of this evaluation (PMID: 30011118). ClinVar contains an entry for this variant (Variation ID: 425166). Based on the evidence outlined above, the variant was classified as uncertain significance.

CeGaT Center for Human Genetics Tuebingen
Classification: Uncertain significance. Last evaluated: 2017-01-01. Review status: criteria provided, single submitter. Criteria: CeGaT Center For Human Genetics Tuebingen Variant Classification Criteria Version 2. Collection method: clinical testing. Allele origin: germline. Affected: yes. Observed: 1 variant allele.

Institute for Human Genetics, University Medical Center Freiburg
Classification: Pathogenic for Autosomal recessive congenital ichthyosis 5. Last evaluated: 2018-04-23. Review status: no assertion criteria provided. Collection method: clinical testing. Allele origin: germline. Affected: yes. Not counted in ClinVar's aggregate classification.

Narges Medical Genetic and Prenatal Diagnosis Lab
Classification: Uncertain significance for Autosomal recessive congenital ichthyosis 5. Review status: no assertion criteria provided. Collection method: clinical testing. Allele origin: germline. Inheritance: Autosomal recessive inheritance. Affected: yes. Observed: 1 homozygote. Not counted in ClinVar's aggregate classification.

Literature cited by the submitters: PubMed 30011118 (cited by Women's Health and Genetics/Laboratory Corporation of America, LabCorp and Institute for Human Genetics, University Medical Center Freiburg).